The following is an entry in ClinVar:

ClinVar aggregate classification (germline): Benign. Review status: criteria provided, multiple submitters, no conflicts (2 of 4 stars). 3 submissions from 3 submitters: Benign (2). 1 of the submissions does not count toward it. Last evaluated 2018-12-31.

Conditions:
JAG2-related disorder. Also called: JAG2-related condition.

Allele frequency attached by ClinVar (database versions not stated): ESP Exome Variant Server 0.00016; gnomAD 0.00052 and 0.00123; TOPMed 0.00111; gnomAD exomes 0.00195 and 0.00291; ExAC 0.00745; 1000 Genomes Project 30x 0.00750; 1000 Genomes Project 0.00819.

Submissions (3):

Labcorp Genetics (formerly Invitae), Labcorp
Classification: Benign. Last evaluated: 2018-12-31. Review status: criteria provided, single submitter. Criteria: Invitae Variant Classification Sherloc (09022015). Collection method: clinical testing. Allele origin: germline.

Breakthrough Genomics
Classification: Benign. Review status: criteria provided, single submitter. Criteria: ACMG Guidelines, 2015. Collection method: not provided. Allele origin: germline. Inheritance: Autosomal recessive inheritance. Affected: yes.

PreventionGenetics, part of Exact Sciences
Classification: Benign for JAG2-related condition. Last evaluated: 2019-02-22. Review status: no assertion criteria provided. Collection method: clinical testing. Allele origin: germline. Not counted in ClinVar's aggregate classification.
Comment: This variant is classified as benign based on ACMG/AMP sequence variant interpretation guidelines (Richards et al. 2015 PMID: 25741868, with internal and published modifications).

NM_002226.5(JAG2):c.3224C>T (p.Thr1075Met)

Gene: JAG2 (jagged canonical Notch ligand 2; minus strand). Cytogenetic location: 14q32.33.
Variant type: single nucleotide variant.
Coding change: c.3224C>T on transcript NM_002226.5 (MANE Select); coding-DNA position 3224, C replaced by T.
Protein change: p.Thr1075Met; replaces threonine 1075 with methionine.
Molecular consequence: missense variant.
Genome position (GRCh38, 1-based): chr14:105,143,499, G>A on the plus strand (C>T on the coding strand, the complement: JAG2 is on the minus strand). VCF-style: chr14-105143499-G-A. GRCh37 (hg19) VCF-style: chr14-105609836-G-A.
Other names: c.3110C>T, p.Thr1037Met (NM_145159.3); short protein forms T1037M, T1075M.
Identifiers: ClinVar variation 788143 (VCV000788143.6), dbSNP rs74913644, ClinGen allele CA7385283.